The following is an entry in ClinVar:

NM_130466.4(UBE3B):c.2678A>G (p.Lys893Arg)

Gene: UBE3B (ubiquitin protein ligase E3B; plus strand). Cytogenetic location: 12q24.11.
Variant type: single nucleotide variant.
Coding change: c.2678A>G on transcript NM_130466.4 (MANE Select); coding-DNA position 2678, A replaced by G.
Protein change: p.Lys893Arg; replaces lysine 893 with arginine.
Molecular consequence: missense variant.
Genome position (GRCh38, 1-based): chr12:109,529,940, A>G. VCF-style: chr12-109529940-A-G. GRCh37 (hg19) VCF-style: chr12-109967745-A-G.
Other names: c.2678A>G, p.Lys893Arg (NM_183415.3); c.2678A>G (NM_130466.2); short protein forms K893R.
Identifiers: ClinVar variation 2126316 (VCV002126316.5), dbSNP rs2548575186, ClinGen allele CA386646842.
Genomic context (GRCh38, chr12:109,529,940, plus strand): 5'-TTGGCAACAGAATTAGCTACATCCATCTGATGGCACATTTTCGAATGCACACTCAAATAA[A>G]AAACCAAACAGCTGCCCTCATTAGCGGATTCCGTTCCATTATCAAACCCGAGTGGATCCG-3'
Protein context (NP_569733.2, residues 883-903): MAHFRMHTQI[Lys893Arg]NQTAALISGF

ClinVar aggregate classification (germline): Uncertain significance. Review status: criteria provided, multiple submitters, no conflicts (2 of 4 stars). 2 submissions from 2 submitters: Uncertain significance (2). Last evaluated 2024-07-02.

Conditions:
Inborn genetic diseases. Identifiers: MedGen C0950123, MeSH D030342.

Submissions (2):

Ambry Genetics
Classification: Uncertain significance for Inborn genetic diseases. Last evaluated: 2024-07-02. Review status: criteria provided, single submitter. Criteria: Ambry Variant Classification Scheme 2023. Collection method: clinical testing. Allele origin: germline.

Labcorp Genetics (formerly Invitae), Labcorp
Classification: Uncertain significance. Last evaluated: 2022-04-15. Review status: criteria provided, single submitter. Criteria: Invitae Variant Classification Sherloc (09022015). Collection method: clinical testing. Allele origin: germline.
Comment: This variant is not present in population databases (gnomAD no frequency). In summary, the available evidence is currently insufficient to determine the role of this variant in disease. Therefore, it has been classified as a Variant of Uncertain Significance. Algorithms developed to predict the effect of missense changes on protein structure and function (SIFT, PolyPhen-2, Align-GVGD) all suggest that this variant is likely to be tolerated. This variant has not been reported in the literature in individuals affected with UBE3B-related conditions. This sequence change replaces lysine, which is basic and polar, with arginine, which is basic and polar, at codon 893 of the UBE3B protein (p.Lys893Arg).